The following is an entry in ClinVar:

ClinVar aggregate classification (germline): Uncertain significance (1 of 4 stars; one submission).

Conditions:
Cardiomyopathy (CMYO). Also called: Cardiomyopathies. Identifiers: Orphanet 167848, MedGen C0878544, MONDO:0004994, HP:0001638. Inheritance: Various modes of inheritance.

Allele frequency attached by ClinVar (database versions not stated): TOPMed 0.00002; gnomAD exomes 0.00001.
gnomAD v4.1: 9 of 1,251,080 alleles (0.00072%); highest among the groups gnomAD compares: South Asian, 0.016%; no homozygotes.

Submission:

Color Diagnostics, LLC DBA Color Health
Classification: Uncertain significance for Cardiomyopathy. Last evaluated: 2024-03-07. Review status: criteria provided, single submitter. Criteria: ACMG Guidelines, 2015. Collection method: clinical testing. Allele origin: germline.
Comment: This variant is located in the 5' untranslated region of the RYR2 gene. To our knowledge, functional studies have not been reported for this variant. This variant has not been reported in individuals affected with RYR2-related disorders in the literature. This variant has not been identified in the general population by the Genome Aggregation Database (gnomAD). The available evidence is insufficient to determine the role of this variant in disease conclusively. Therefore, this variant is classified as a Variant of Uncertain Significance.

NM_001035.3(RYR2):c.-13G>A

Gene: RYR2 (ryanodine receptor 2; plus strand). Cytogenetic location: 1q43.
Variant type: single nucleotide variant.
Coding change: c.-13G>A on transcript NM_001035.3 (MANE Select); 13 bases upstream of the start codon, G replaced by A.
Molecular consequence: 5 prime UTR variant.
Genome position (GRCh38, 1-based): chr1:237,042,509, G>A. VCF-style: chr1-237042509-G-A. GRCh37 (hg19) VCF-style: chr1-237205809-G-A.
Identifiers: ClinVar variation 2774228 (VCV002774228.2), dbSNP rs1331034958, ClinGen allele CA423860057.